The following is an entry in ClinVar:

NM_000138.5(FBN1):c.8526_8530delinsA (p.Asn2843_Gln2844insTer)

Gene: FBN1 (fibrillin 1; minus strand). Cytogenetic location: 15q21.1.
Variant type: Indel.
Coding change: c.8526_8530delinsA on transcript NM_000138.5 (MANE Select); coding-DNA positions 8526 to 8530, TAACC replaced by A.
Protein change: p.Asn2843_Gln2844insTer.
Molecular consequence: frameshift variant.
Genome position (GRCh38, 1-based): chr15:48,411,076-48,411,080, GGTTA replaced by T on the plus strand (TAACC replaced by A on the coding strand, the reverse complement: FBN1 is on the minus strand). VCF-style: chr15-48411076-GGTTA-T. GRCh37 (hg19) VCF-style: chr15-48703273-GGTTA-T.
Other names: c.8526_8530delinsA, p.Asn2843_Gln2844insTer (NM_001406716.1).
Identifiers: ClinVar variation 4880751 (VCV004880751.2).

ClinVar aggregate classification (germline): Likely pathogenic (1 of 4 stars; one submission).

Conditions:
Marfan syndrome (MFS). Also called: FBN1-Related Marfan Syndrome; MARFAN SYNDROME, TYPE I; Marfan syndrome type 1; Marfan's syndrome; Marfan syndrome, classic. Identifiers: Orphanet 284963, Orphanet 558, MedGen C0024796, MONDO:0007947, OMIM 154700.

Submission:

Dasa
Classification: Likely pathogenic for Marfan syndrome. Last evaluated: 2025-11-14. Review status: criteria provided, single submitter. Criteria: DASA Assertion Criteria. Collection method: clinical testing. Allele origin: germline.
Comment: NM_000138.5(FBN1):c.8526_8530delinsA (p.Gln2844*) is a frameshift variant in FBN1 predicted to alter the reading frame and introduce a premature termination codon and is predicted to result in an absent or altered protein product. Loss of function is an established disease mechanism for FBN1 (PMID: 17701892; PMID: 30286810; PMID: 21063442). Also, this variant is absent from population databases. Based on the currently available evidence, this variant is classified as likely pathogenic.

Literature cited by the submitters: PubMed 17701892; PubMed 30286810; PubMed 21063442.